The following is an entry in ClinVar:

ClinVar aggregate classification (germline): Likely pathogenic. Review status: criteria provided, multiple submitters, no conflicts (2 of 4 stars). 4 submissions from 4 submitters: Likely pathogenic (3). 1 of the submissions does not count toward it. Last evaluated 2025-06-26.

Conditions:
Polycystic kidney disease 4 (PKD4). Also called: Autosomal Recessive Polycystic Kidney Disease – PKHD1; POLYCYSTIC KIDNEY AND HEPATIC DISEASE 1; POLYCYSTIC KIDNEY DISEASE, INFANTILE, TYPE I; POLYCYSTIC KIDNEY DISEASE 4 WITH OR WITHOUT POLYCYSTIC LIVER DISEASE; PKD3. Identifiers: MedGen C4540575, MONDO:0033004, OMIM 263200.
Autosomal recessive polycystic kidney disease (ARPKD). Also called: AR polycystic kidney disease. Identifiers: Orphanet 731, Orphanet 8378, MedGen C0085548, MeSH D017044, MONDO:0009889.

Allele frequency attached by ClinVar (database versions not stated): gnomAD exomes below 0.00001.
gnomAD v4.1: 1 of 1,613,890 alleles (0.000062%); highest among the groups gnomAD compares: South Asian, 0.0011%; no homozygotes.

Submissions (4):

Natera, Inc.
Classification: Likely pathogenic for Autosomal recessive polycystic kidney disease. Last evaluated: 2025-06-26. Review status: criteria provided, single submitter. Criteria: Natera Variant Classification Schema (03/2026). Collection method: clinical testing. Allele origin: germline.
Comment: The c.5993T>C variant in PKHD1 is a missense variant predicted to cause substitution of isoleucine to threonine at amino acid 1998. This variant is rare in the general population with a frequency below the threshold expected for the associated phenotype(s). This variant has been observed in one or more individuals affected with the associated recessive disease, as either homozygous or compound heterozygous with a second variant (PMID: 12506140, 15698423). Additionally, this variant has been observed to segregate in affected family members (PMID: 15698423). This variant has been identified in one or more affected individuals with a phenotype highly consistent with the associated gene (PMID: 15698423). Computational prediction algorithms indicate this variant is likely to affect gene or protein function. Given the available evidence, this variant is classified as Likely Pathogenic.

Baylor Genetics
Classification: Likely pathogenic for Polycystic kidney disease 4. Last evaluated: 2023-10-24. Review status: criteria provided, single submitter. Criteria: ACMG Guidelines, 2015. Collection method: clinical testing. Allele origin: unknown.

Juno Genomics, Hangzhou Juno Genomics, Inc
Classification: Likely pathogenic for Polycystic kidney disease 4. Review status: criteria provided, single submitter. Criteria: ACMG Guidelines, 2015. Collection method: clinical testing. Allele origin: germline.
Comment: Absent from controls (or at extremely low frequency if recessive) in Genome Aggregation Database.;For recessive disorders, detected in trans with a pathogenic variant.;Patient's phenotype or family history is highly specific for a disease with a single genetic etiology.;Multiple lines of computational evidence support a deleterious effect on the gene or gene product.

Counsyl
Classification: Uncertain significance for Polycystic kidney disease 4. Last evaluated: 2017-07-19. Review status: no assertion criteria provided. Collection method: clinical testing. Allele origin: unknown. Not counted in ClinVar's aggregate classification.

Literature cited by the submitters: PubMed 12506140 (cited by Natera, Inc.); PubMed 15698423 (cited by Natera, Inc. and Counsyl).

NM_138694.4(PKHD1):c.5993T>C (p.Ile1998Thr)

Gene: PKHD1 (PKHD1 ciliary IPT domain containing fibrocystin/polyductin; minus strand). Cytogenetic location: 6p12.2.
Variant type: single nucleotide variant.
Coding change: c.5993T>C on transcript NM_138694.4 (MANE Select); coding-DNA position 5993, T replaced by C.
Protein change: p.Ile1998Thr; replaces isoleucine 1998 with threonine.
Molecular consequence: missense variant.
Genome position (GRCh38, 1-based): chr6:51,934,238, A>G on the plus strand (T>C on the coding strand, the complement: PKHD1 is on the minus strand). VCF-style: chr6-51934238-A-G. GRCh37 (hg19) VCF-style: chr6-51799036-A-G.
Other names: c.5993T>C, p.Ile1998Thr (NM_170724.3); short protein forms I1998T.
Identifiers: ClinVar variation 552941 (VCV000552941.6), dbSNP rs1210348558, ClinGen allele CA364417834.